The following is an entry in ClinVar:

ClinVar aggregate classification (germline): Likely pathogenic (1 of 4 stars; one submission).

Conditions:
Mirror movements 1 (MRMV1). Identifiers: Orphanet 238722, MedGen C1834870, OMIM 157600, MONDO:0008002.

Submission:

Broad Center for Mendelian Genomics, Broad Institute of MIT and Harvard
Classification: Likely pathogenic. Last evaluated: 2023-01-25. Review status: criteria provided, single submitter. Criteria: ACMG Guidelines, 2015. Collection method: curation. Allele origin: germline. Inheritance: Autosomal dominant inheritance.
Comment: The heterozygous p.Tyr768Ter variant in DCC was identified by our study in two siblings with agenesis of the corpus callosum. The p.Tyr768Ter variant in DCC has not been previously reported in individuals with mirror movements 1 and/or agenesis of the corpus callosum. This variant was absent from large population studies. This nonsense variant leads to a premature termination codon at position 768, which is predicted to lead to a truncated or absent protein. Heterozygous loss of function of the DCC gene is an established disease mechanism in autosomal dominant mirror movements 1 and/or agenesis of the corpus callosum. In summary, although additional studies are required to fully establish its clinical significance, this variant is likely pathogenic for mirror movements 1 and/or agenesis of the corpus callosum. ACMG/AMP Criteria applied: PVS1, PM2_Supporting (Richards 2015).

NM_005215.4(DCC):c.2304C>G (p.Tyr768Ter)

Gene: DCC (DCC netrin 1 receptor; plus strand). Cytogenetic location: 18q21.2.
Variant type: single nucleotide variant.
Coding change: c.2304C>G on transcript NM_005215.4 (MANE Select); coding-DNA position 2304, C replaced by G.
Protein change: p.Tyr768Ter; replaces tyrosine 768 with a stop codon.
Molecular consequence: nonsense.
Genome position (GRCh38, 1-based): chr18:53,339,852, C>G. VCF-style: chr18-53339852-C-G. GRCh37 (hg19) VCF-style: chr18-50866222-C-G.
Other names: NM_005215.4:c.2304C>G; short protein forms Y768*.
Identifiers: ClinVar variation 2412759 (VCV002412759.1), dbSNP rs141228869, ClinGen allele CA402469523.